The following is an entry in ClinVar:

NM_001164508.2(NEB):c.17536-17T>C

Gene: NEB (nebulin; minus strand). Cytogenetic location: 2q23.3.
Variant type: single nucleotide variant.
Coding change: c.17536-17T>C on transcript NM_001164508.2 (MANE Select); 17 bases into the intron before coding-DNA position 17536, T replaced by C.
Molecular consequence: intron variant.
Genome position (GRCh38, 1-based): chr2:151,568,733, A>G on the plus strand (T>C on the coding strand, the complement: NEB is on the minus strand). VCF-style: chr2-151568733-A-G. GRCh37 (hg19) VCF-style: chr2-152425247-A-G.
Other names: c.12433-17T>C (NM_004543.5); c.17536-17T>C (NM_001164507.2, NM_001271208.2).
Identifiers: ClinVar variation 669063 (VCV000669063.4), dbSNP rs775687645, ClinGen allele CA1908185.

ClinVar aggregate classification (germline): Likely benign. Review status: criteria provided, multiple submitters, no conflicts (2 of 4 stars). 2 submissions from 2 submitters: Likely benign (2). Last evaluated 2025-12-31.

Conditions:
Nemaline myopathy 2 (NEM2). Also called: Nemaline myopathy 2, autosomal recessive. Identifiers: MedGen C1850569, MONDO:0009725, OMIM 256030.

Allele frequency attached by ClinVar (database versions not stated): gnomAD 0.00001; gnomAD exomes below 0.00001; TOPMed 0.00002; ExAC below 0.00001.
gnomAD v4.1: 2 of 1,523,122 alleles (0.00013%); highest among the groups gnomAD compares: African/African-American, 0.0027%; no homozygotes.

Submissions (2):

Labcorp Genetics (formerly Invitae), Labcorp
Classification: Likely benign for Nemaline myopathy 2. Last evaluated: 2025-12-31. Review status: criteria provided, single submitter. Criteria: Invitae Variant Classification Sherloc (09022015). Collection method: clinical testing. Allele origin: germline.

GeneDx
Classification: Likely benign. Last evaluated: 2018-05-29. Review status: criteria provided, single submitter. Criteria: GeneDx Variant Classification (06012015). Collection method: clinical testing. Allele origin: germline. Affected: yes.
Comment: This variant is considered likely benign or benign based on one or more of the following criteria: it is a conservative change, it occurs at a poorly conserved position in the protein, it is predicted to be benign by multiple in silico algorithms, and/or has population frequency not consistent with disease.